The following is an entry in ClinVar:

NM_000550.3(TYRP1):c.1391A>G (p.Tyr464Cys)

Genes: LURAP1L-AS1 (LURAP1L antisense RNA 1; minus strand), TYRP1 (tyrosinase related protein 1; plus strand). Cytogenetic location: 9p23.
Variant type: single nucleotide variant.
Coding change: c.1391A>G on transcript NM_000550.3 (MANE Select); coding-DNA position 1391, A replaced by G.
Protein change: p.Tyr464Cys; replaces tyrosine 464 with cysteine.
Molecular consequence: missense variant.
Genome position (GRCh38, 1-based): chr9:12,708,126, A>G. VCF-style: chr9-12708126-A-G. GRCh37 (hg19) VCF-style: chr9-12708126-A-G.
Other names: short protein forms Y464C.
Identifiers: ClinVar variation 2121145 (VCV002121145.4), dbSNP rs778258169, ClinGen allele CA4985546.

ClinVar aggregate classification (germline): Uncertain significance (1 of 4 stars; one submission).

Allele frequency attached by ClinVar (database versions not stated): gnomAD exomes 0.00001; TOPMed 0.00001; ExAC 0.00002.
gnomAD v4.1: 6 of 1,612,694 alleles (0.00037%); highest among the groups gnomAD compares: African/African-American, 0.004%; no homozygotes.

Submission:

Labcorp Genetics (formerly Invitae), Labcorp
Classification: Uncertain significance. Last evaluated: 2022-09-13. Review status: criteria provided, single submitter. Criteria: Invitae Variant Classification Sherloc (09022015). Collection method: clinical testing. Allele origin: germline.
Comment: This sequence change replaces tyrosine, which is neutral and polar, with cysteine, which is neutral and slightly polar, at codon 464 of the TYRP1 protein (p.Tyr464Cys). This variant is present in population databases (rs778258169, gnomAD 0.02%). This variant has not been reported in the literature in individuals affected with TYRP1-related conditions. Advanced modeling of protein sequence and biophysical properties (such as structural, functional, and spatial information, amino acid conservation, physicochemical variation, residue mobility, and thermodynamic stability) performed at Invitae indicates that this missense variant is expected to disrupt TYRP1 protein function. In summary, the available evidence is currently insufficient to determine the role of this variant in disease. Therefore, it has been classified as a Variant of Uncertain Significance.